The following is an entry in ClinVar:

NM_001447.3(FAT2):c.11899G>A (p.Gly3967Arg)

Genes: FAT2 (FAT atypical cadherin 2; minus strand), SLC36A1 (solute carrier family 36 member 1; plus strand). Cytogenetic location: 5q33.1.
Variant type: single nucleotide variant.
Coding change: c.11899G>A on transcript NM_001447.3 (MANE Select); coding-DNA position 11899, G replaced by A.
Protein change: p.Gly3967Arg; replaces glycine 3967 with arginine.
Molecular consequence: missense variant.
Genome position (GRCh38, 1-based): chr5:151,512,171, C>T on the plus strand (G>A on the coding strand, the complement: FAT2 is on the minus strand). VCF-style: chr5-151512171-C-T. GRCh37 (hg19) VCF-style: chr5-150891732-C-T.
Other names: short protein forms G3967R.
Identifiers: ClinVar variation 2655949 (VCV002655949.24), dbSNP rs759591753, ClinGen allele CA3519918.

ClinVar aggregate classification (germline): Uncertain significance (1 of 4 stars; one submission).

Allele frequency attached by ClinVar (database versions not stated): ExAC 0.00001; gnomAD exomes 0.00001; TOPMed 0.00002; gnomAD 0.00003.
gnomAD v4.1: 20 of 1,611,636 alleles (0.0012%); highest among the groups gnomAD compares: African/African-American, 0.0093%; no homozygotes.

Submission:

CeGaT Center for Human Genetics Tuebingen
Classification: Uncertain significance. Last evaluated: 2023-04-01. Review status: criteria provided, single submitter. Criteria: CeGaT Center For Human Genetics Tuebingen Variant Classification Criteria Version 2. Collection method: clinical testing. Allele origin: germline. Affected: yes. Observed: 1 variant allele.
Comment: FAT2: PM2:Supporting, BP4